The following is an entry in ClinVar:

NM_013276.4(SHPK):c.382C>A (p.Gln128Lys)

Genes: SHPK (sedoheptulokinase; minus strand), LOC126862464 (MED14-independent group 3 enhancer GRCh37_chr17:3526895-3528094; plus strand). Cytogenetic location: 17p13.2.
Variant type: single nucleotide variant.
Coding change: c.382C>A on transcript NM_013276.4 (MANE Select); coding-DNA position 382, C replaced by A.
Protein change: p.Gln128Lys; replaces glutamine 128 with lysine.
Molecular consequence: missense variant.
Genome position (GRCh38, 1-based): chr17:3,624,160, G>T on the plus strand (C>A on the coding strand, the complement: SHPK is on the minus strand). VCF-style: chr17-3624160-G-T. GRCh37 (hg19) VCF-style: chr17-3527454-G-T.
Other names: short protein forms Q128K.
Identifiers: ClinVar variation 1895484 (VCV001895484.6), dbSNP rs140931260, ClinGen allele CA8291349.

ClinVar aggregate classification (germline): Uncertain significance. Review status: criteria provided, multiple submitters, no conflicts (2 of 4 stars). 2 submissions from 2 submitters: Uncertain significance (2). Last evaluated 2022-05-27.

Allele frequency attached by ClinVar (database versions not stated): gnomAD exomes below 0.00001; TOPMed below 0.00001; gnomAD 0.00001; ExAC 0.00002; 1000 Genomes Project 30x 0.00031; 1000 Genomes Project 0.00040.
gnomAD v4.1: 9 of 1,614,166 alleles (0.00056%); highest among the groups gnomAD compares: African/African-American, 0.0093%; no homozygotes.

Submissions (2):

Labcorp Genetics (formerly Invitae), Labcorp
Classification: Uncertain significance. Last evaluated: 2022-05-27. Review status: criteria provided, single submitter. Criteria: Invitae Variant Classification Sherloc (09022015). Collection method: clinical testing. Allele origin: germline.
Comment: In summary, the available evidence is currently insufficient to determine the role of this variant in disease. Therefore, it has been classified as a Variant of Uncertain Significance. Algorithms developed to predict the effect of missense changes on protein structure and function are either unavailable or do not agree on the potential impact of this missense change (SIFT: "Tolerated"; PolyPhen-2: "Probably Damaging"; Align-GVGD: "Class C0"). This variant has not been reported in the literature in individuals affected with SHPK-related conditions. This variant is present in population databases (rs140931260, gnomAD 0.01%). This sequence change replaces glutamine, which is neutral and polar, with lysine, which is basic and polar, at codon 128 of the SHPK protein (p.Gln128Lys).

Ambry Genetics
Classification: Uncertain significance. Last evaluated: 2022-01-07. Review status: criteria provided, single submitter. Criteria: Ambry Variant Classification Scheme 2023. Collection method: clinical testing. Allele origin: germline.